The following is an entry in ClinVar:

NM_198123.2(CSMD3):c.3498A>G (p.Ser1166=)

Gene: CSMD3 (CUB and Sushi multiple domains 3; minus strand). Cytogenetic location: 8q23.3.
Variant type: single nucleotide variant.
Coding change: c.3498A>G on transcript NM_198123.2 (MANE Select); coding-DNA position 3498, A replaced by G.
Protein change: p.Ser1166=; no amino-acid change (serine 1166 retained).
Molecular consequence: synonymous variant.
Genome position (GRCh38, 1-based): chr8:112,638,724, T>C on the plus strand (A>G on the coding strand, the complement: CSMD3 is on the minus strand). VCF-style: chr8-112638724-T-C. GRCh37 (hg19) VCF-style: chr8-113650953-T-C.
Other names: c.3108A>G, p.Ser1036= (NM_001363185.1); c.3186A>G, p.Ser1062= (NM_052900.3); c.3378A>G, p.Ser1126= (NM_198124.2).
Identifiers: ClinVar variation 4987296 (VCV004987296.1).

ClinVar aggregate classification (germline): Likely benign (1 of 4 stars; one submission).

Conditions:
CSMD3-related disorder. Also called: CSMD3-related condition.

gnomAD v4.1: 47 of 1,599,614 alleles (0.0029%); highest among the groups gnomAD compares: Non-Finnish European, 0.004%; no homozygotes.

Submission:

PreventionGenetics, part of Exact Sciences
Classification: Likely benign for CSMD3-related condition. Last evaluated: 2026-04-27. Review status: criteria provided, single submitter. Criteria: ACMG Guidelines, 2015. Collection method: clinical testing. Allele origin: germline.
Comment: This variant is classified as likely benign based on ACMG/AMP sequence variant interpretation guidelines (Richards et al. 2015 PMID: 25741868, with internal and published modifications).